The following is an entry in ClinVar:

NM_001040142.2(SCN2A):c.2562+305T>A

Gene: SCN2A (sodium voltage-gated channel alpha subunit 2; plus strand). Cytogenetic location: 2q24.3.
Variant type: single nucleotide variant.
Coding change: c.2562+305T>A on transcript NM_001040142.2 (MANE Select); 305 bases into the intron after coding-DNA position 2562, T replaced by A.
Molecular consequence: intron variant.
Genome position (GRCh38, 1-based): chr2:165,342,774, T>A. VCF-style: chr2-165342774-T-A. GRCh37 (hg19) VCF-style: chr2-166199284-T-A.
Other names: c.2562+305T>A (NM_001040143.2, NM_001371246.1, NM_001371247.1 and 1 more transcripts).
Identifiers: ClinVar variation 684241 (VCV000684241.1), dbSNP rs3769949, ClinGen allele CA11036107.

ClinVar aggregate classification (germline): Benign (1 of 4 stars; one submission).

Allele frequency attached by ClinVar (database versions not stated): 1000 Genomes Project 0.43750; 1000 Genomes Project 30x 0.44238; gnomAD 0.44271 and 0.44335; TOPMed 0.45467.
gnomAD v4.1: 67,338 of 152,066 alleles (44%); highest among the groups gnomAD compares: Middle Eastern, 60%; 15,306 homozygotes.

Submission:

GeneDx
Classification: Benign. Last evaluated: 2018-06-19. Review status: criteria provided, single submitter. Criteria: GeneDx Variant Classification (06012015). Collection method: clinical testing. Allele origin: germline. Affected: yes.
Comment: This variant is considered likely benign or benign based on one or more of the following criteria: it is a conservative change, it occurs at a poorly conserved position in the protein, it is predicted to be benign by multiple in silico algorithms, and/or has population frequency not consistent with disease.